The following is an entry in ClinVar:

ClinVar aggregate classification (germline): Uncertain significance. Review status: criteria provided, multiple submitters, no conflicts (2 of 4 stars). 2 submissions from 2 submitters: Uncertain significance (2). Last evaluated 2023-05-07.

gnomAD v4.1: 1 of 1,614,206 alleles (0.000062%); highest among the groups gnomAD compares: Non-Finnish European, 0.000085%; no homozygotes.

Submissions (2):

GeneDx
Classification: Uncertain significance. Last evaluated: 2023-05-07. Review status: criteria provided, single submitter. Criteria: GeneDx Variant Classification Process June 2021. Collection method: clinical testing. Allele origin: germline. Affected: yes.
Comment: Not observed at significant frequency in large population cohorts (gnomAD); In silico analysis supports that this missense variant has a deleterious effect on protein structure/function; Has not been previously published as pathogenic or benign to our knowledge

Labcorp Genetics (formerly Invitae), Labcorp
Classification: Uncertain significance. Last evaluated: 2021-12-08. Review status: criteria provided, single submitter. Criteria: Invitae Variant Classification Sherloc (09022015). Collection method: clinical testing. Allele origin: germline.
Comment: This sequence change replaces proline, which is neutral and non-polar, with leucine, which is neutral and non-polar, at codon 396 of the TPP1 protein (p.Pro396Leu). This variant is not present in population databases (gnomAD no frequency). This variant has not been reported in the literature in individuals affected with TPP1-related conditions. Advanced modeling of protein sequence and biophysical properties (such as structural, functional, and spatial information, amino acid conservation, physicochemical variation, residue mobility, and thermodynamic stability) performed at Invitae indicates that this missense variant is expected to disrupt TPP1 protein function. In summary, the available evidence is currently insufficient to determine the role of this variant in disease. Therefore, it has been classified as a Variant of Uncertain Significance.

NM_000391.4(TPP1):c.1187C>T (p.Pro396Leu)

Gene: TPP1 (tripeptidyl peptidase 1; minus strand). Cytogenetic location: 11p15.4.
Variant type: single nucleotide variant.
Coding change: c.1187C>T on transcript NM_000391.4 (MANE Select); coding-DNA position 1187, C replaced by T.
Protein change: p.Pro396Leu; replaces proline 396 with leucine.
Molecular consequence: missense variant.
Genome position (GRCh38, 1-based): chr11:6,615,521, G>A on the plus strand (C>T on the coding strand, the complement: TPP1 is on the minus strand). VCF-style: chr11-6615521-G-A. GRCh37 (hg19) VCF-style: chr11-6636752-G-A.
Other names: c.1187C>T (NM_000391.3); short protein forms P396L.
Identifiers: ClinVar variation 1508186 (VCV001508186.3), dbSNP rs2134592126, ClinGen allele CA379473048.